The following is an entry in ClinVar:

NM_001916.5(CYC1):c.395A>G (p.Tyr132Cys)

Gene: CYC1 (cytochrome c1; plus strand). Cytogenetic location: 8q24.3.
Variant type: single nucleotide variant.
Coding change: c.395A>G on transcript NM_001916.5 (MANE Select); coding-DNA position 395, A replaced by G.
Protein change: p.Tyr132Cys; replaces tyrosine 132 with cysteine.
Molecular consequence: missense variant.
Genome position (GRCh38, 1-based): chr8:144,096,192, A>G. VCF-style: chr8-144096192-A-G. GRCh37 (hg19) VCF-style: chr8-145151095-A-G.
Other names: short protein forms Y132C.
Identifiers: ClinVar variation 3682060 (VCV003682060.2).

ClinVar aggregate classification (germline): Uncertain significance (1 of 4 stars; one submission).

Submission:

Labcorp Genetics (formerly Invitae), Labcorp
Classification: Uncertain significance. Last evaluated: 2024-11-17. Review status: criteria provided, single submitter. Criteria: Invitae Variant Classification Sherloc (09022015). Collection method: clinical testing. Allele origin: germline.
Comment: This sequence change replaces tyrosine, which is neutral and polar, with cysteine, which is neutral and slightly polar, at codon 132 of the CYC1 protein (p.Tyr132Cys). This variant is not present in population databases (gnomAD no frequency). This variant has not been reported in the literature in individuals affected with CYC1-related conditions. Invitae Evidence Modeling of protein sequence and biophysical properties (such as structural, functional, and spatial information, amino acid conservation, physicochemical variation, residue mobility, and thermodynamic stability) indicates that this missense variant is expected to disrupt CYC1 protein function with a positive predictive value of 80%. In summary, the available evidence is currently insufficient to determine the role of this variant in disease. Therefore, it has been classified as a Variant of Uncertain Significance.